The following is an entry in ClinVar:

ClinVar aggregate classification (germline): Uncertain significance (1 of 4 stars; one submission).

Conditions:
Duchenne muscular dystrophy (DMD). Also called: MUSCULAR DYSTROPHY, PSEUDOHYPERTROPHIC PROGRESSIVE, DUCHENNE TYPE; Duchenne Muscular Dystrophy (DMD). Identifiers: Orphanet 98896, MedGen C0013264, MONDO:0010679, OMIM 310200.

Submission:

Labcorp Genetics (formerly Invitae), Labcorp
Classification: Uncertain significance for Duchenne muscular dystrophy. Last evaluated: 2024-08-06. Review status: criteria provided, single submitter. Criteria: Invitae Variant Classification Sherloc (09022015). Collection method: clinical testing. Allele origin: germline.
Comment: This sequence change replaces threonine, which is neutral and polar, with asparagine, which is neutral and polar, at codon 134 of the DMD protein (p.Thr134Asn). This variant is not present in population databases (gnomAD no frequency). This variant has not been reported in the literature in individuals affected with DMD-related conditions. Advanced modeling of protein sequence and biophysical properties (such as structural, functional, and spatial information, amino acid conservation, physicochemical variation, residue mobility, and thermodynamic stability) performed at Invitae indicates that this missense variant is not expected to disrupt DMD protein function with a negative predictive value of 95%. In summary, the available evidence is currently insufficient to determine the role of this variant in disease. Therefore, it has been classified as a Variant of Uncertain Significance.

NM_004006.3(DMD):c.401C>A (p.Thr134Asn)

Gene: DMD (dystrophin; minus strand). Cytogenetic location: Xp21.1.
Variant type: single nucleotide variant.
Coding change: c.401C>A on transcript NM_004006.3 (MANE Select); coding-DNA position 401, C replaced by A.
Protein change: p.Thr134Asn; replaces threonine 134 with asparagine.
Molecular consequence: missense variant.
Genome position (GRCh38, 1-based): chrX:32,816,597, G>T on the plus strand (C>A on the coding strand, the complement: DMD is on the minus strand). VCF-style: chrX-32816597-G-T. GRCh37 (hg19) VCF-style: chrX-32834714-G-T.
Other names: c.377C>A, p.Thr126Asn (NM_000109.4); c.389C>A, p.Thr130Asn (NM_004009.3); c.32C>A, p.Thr11Asn (NM_004010.3); short protein forms T126N, T130N, T11N, T134N.
Identifiers: ClinVar variation 3692500 (VCV003692500.2).